The following is an entry in ClinVar:

ClinVar aggregate classification (germline): Uncertain significance (1 of 4 stars; one submission).

Conditions:
Ichthyosis vulgaris. Also called: ICHTHYOSIS SIMPLEX; Dominant ichthyosis vulgaris. Identifiers: MedGen C0079584, MONDO:0024304, OMIM 146700.
Dermatitis, atopic, 2. Identifiers: MedGen C1853965, MONDO:0011596, OMIM 605803.

Submission:

Juno Genomics, Hangzhou Juno Genomics, Inc
Classification: Uncertain significance for Dermatitis, atopic, 2; Ichthyosis vulgaris. Review status: criteria provided, single submitter. Criteria: ACMG Guidelines, 2015. Collection method: clinical testing. Allele origin: germline.
Comment: Null variant in a gene where loss of function (LOF) is a known mechanism of disease.;Absent from controls (or at extremely low frequency if recessive) in Genome Aggregation Database.

NM_002016.2(FLG):c.5084C>G (p.Ser1695Ter)

Genes: CCDST (cervical cancer associated DHX9 suppressive transcript; plus strand), FLG (filaggrin; minus strand). Cytogenetic location: 1q21.3.
Variant type: single nucleotide variant.
Coding change: c.5084C>G on transcript NM_002016.2 (MANE Select); coding-DNA position 5084, C replaced by G.
Protein change: p.Ser1695Ter; replaces serine 1695 with a stop codon.
Molecular consequence: nonsense.
Genome position (GRCh38, 1-based): chr1:152,309,802, G>C on the plus strand (C>G on the coding strand, the complement: FLG is on the minus strand). VCF-style: chr1-152309802-G-C. GRCh37 (hg19) VCF-style: chr1-152282278-G-C.
Other names: short protein forms S1695*.
Identifiers: ClinVar variation 5007746 (VCV005007746.2).